The following is an entry in ClinVar:

ClinVar aggregate classification (germline): Uncertain significance (1 of 4 stars; one submission).

Conditions:
PLXNA3-related disorder. Also called: PLXNA3-related condition.

Submission:

PreventionGenetics, part of Exact Sciences
Classification: Uncertain significance for PLXNA3-related condition. Last evaluated: 2024-11-10. Review status: criteria provided, single submitter. Criteria: ACMG Guidelines, 2015. Collection method: clinical testing. Allele origin: germline.
Comment: The PLXNA3 c.3678_3680delinsCAT variant is predicted to result in an in-frame deletion and insertion. To our knowledge, this variant has not been reported in the literature or in a large population database (gnomAD), indicating this variant is rare. At this time, the clinical significance of this variant is uncertain due to the absence of conclusive functional and genetic evidence.

NM_017514.5(PLXNA3):c.3678_3680delinsCAT (p.Gly1227Met)

Gene: PLXNA3 (plexin A3; plus strand). Cytogenetic location: Xq28.
Variant type: Indel.
Coding change: c.3678_3680delinsCAT on transcript NM_017514.5 (MANE Select); coding-DNA positions 3678 to 3680, GGG replaced by CAT.
Protein change: p.Gly1227Met; replaces glycine 1227 with methionine.
Molecular consequence: missense variant.
Genome position (GRCh38, 1-based): chrX:154,467,859-154,467,861, GGG replaced by CAT. VCF-style: chrX-154467859-GGG-CAT. GRCh37 (hg19) VCF-style: chrX-153696202-GGG-CAT.
Other names: c.3678_3680delGGGinsCAT, p.Gly1227Met (NM_017514.4); short protein forms G1227M.
Identifiers: ClinVar variation 5001499 (VCV005001499.1).